The following is an entry in ClinVar:

ClinVar aggregate classification (germline): Likely benign (1 of 4 stars; one submission).

gnomAD v4.1: 54 of 1,432,510 alleles (0.0038%); highest among the groups gnomAD compares: Non-Finnish European, 0.005%; no homozygotes.

Submission:

GeneDx
Classification: Likely benign. Last evaluated: 2018-05-16. Review status: criteria provided, single submitter. Criteria: GeneDx Variant Classification (06012015). Collection method: clinical testing. Allele origin: germline. Affected: yes.
Comment: This variant is considered likely benign or benign based on one or more of the following criteria: it is a conservative change, it occurs at a poorly conserved position in the protein, it is predicted to be benign by multiple in silico algorithms, and/or has population frequency not consistent with disease.

NM_006383.4(CIB2):c.-39T>A

Genes: CIB2 (calcium and integrin binding family member 2; minus strand), LOC130057683 (ATAC-STARR-seq lymphoblastoid silent region 6705; plus strand). Cytogenetic location: 15q25.1.
Variant type: single nucleotide variant.
Coding change: c.-39T>A on transcript NM_006383.4 (MANE Select); 39 bases upstream of the start codon, T replaced by A.
Molecular consequence: 5 prime UTR variant. On other transcripts: non-coding transcript variant (1).
Genome position (GRCh38, 1-based): chr15:78,131,254, A>T on the plus strand (T>A on the coding strand, the complement: CIB2 is on the minus strand). VCF-style: chr15-78131254-A-T. GRCh37 (hg19) VCF-style: chr15-78423596-A-T.
Other names: c.-133T>A (NM_001271888.2); c.-39T>A (NM_001271889.2, NM_001301224.2).
Identifiers: ClinVar variation 678686 (VCV000678686.1), dbSNP rs11547207, ClinGen allele CA7680413.